The following is an entry in ClinVar:

ClinVar aggregate classification (germline): Uncertain significance (1 of 4 stars; one submission).

Conditions:
X-linked immunodeficiency with magnesium defect, Epstein-Barr virus infection and neoplasia. Identifiers: Orphanet 317476, MedGen C3275445, MONDO:0010455, OMIM 300853.

Submission:

Labcorp Genetics (formerly Invitae), Labcorp
Classification: Uncertain significance for X-linked immunodeficiency with magnesium defect, Epstein-Barr virus infection and neoplasia. Last evaluated: 2022-09-14. Review status: criteria provided, single submitter. Criteria: Invitae Variant Classification Sherloc (09022015). Collection method: clinical testing. Allele origin: germline.
Comment: In summary, the available evidence is currently insufficient to determine the role of this variant in disease. Therefore, it has been classified as a Variant of Uncertain Significance. This variant has not been reported in the literature in individuals affected with MAGT1-related conditions. This variant results in a copy number gain of the genomic region encompassing exon(s) 10 of the MAGT1 gene. This region includes the termination codon of the gene. This copy number gain extends beyond the assayed region for this gene and therefore may encompass additional genes. As the precise location of this event is unknown, it may be in tandem or it may be located elsewhere in the genome.

NC_000023.10:g.(?_76972588)_(77084752_?)dup

Genes: ATRX (ATRX chromatin remodeler; minus strand), MAGT1 (magnesium transporter 1; minus strand). Cytogenetic location: Xq21.1.
Variant type: Duplication.
Identifiers: ClinVar variation 2427021 (VCV002427021.4).